The following is an entry in ClinVar:

ClinVar aggregate classification (germline): Uncertain significance. Review status: criteria provided, multiple submitters, no conflicts (2 of 4 stars). 3 submissions from 3 submitters: Uncertain significance (2). 1 of the submissions does not count toward it. Last evaluated 2025-03-13.

Conditions:
Familial thoracic aortic aneurysm and aortic dissection (TAAD). Also called: Thoracic aortic aneurysms and dissections. Identifiers: Orphanet 91387, MedGen C4707243, MONDO:0019625.
HYPERHOMOCYSTEINEMIA, THROMBOTIC, CBS-RELATED. Identifiers: MedGen C3150344, OMIM 236200.
Classic homocystinuria. Also called: Homocystinuria due to CBS deficiency; Cystathionine beta-synthase deficiency; CBS deficiency; Homocystinuria due to Cystathionine Beta-Synthase Deficiency; HOMOCYSTINURIA WITH OR WITHOUT RESPONSE TO PYRIDOXINE. Identifiers: Orphanet 394, MedGen C0751202, MONDO:0009352, OMIM 236200.

Submissions (3):

Ambry Genetics
Classification: Uncertain significance for Familial thoracic aortic aneurysm and aortic dissection. Last evaluated: 2025-03-13. Review status: criteria provided, single submitter. Criteria: Ambry Variant Classification Scheme 2023. Collection method: clinical testing. Allele origin: germline.
Comment: The p.Y484F variant (also known as c.1451A>T), located in coding exon 13 of the CBS gene, results from an A to T substitution at nucleotide position 1451. The tyrosine at codon 484 is replaced by phenylalanine, an amino acid with highly similar properties. This amino acid position is conserved. In addition, the in silico prediction for this alteration is inconclusive. Based on the available evidence, the clinical significance of this variant remains unclear.

Labcorp Genetics (formerly Invitae), Labcorp
Classification: Uncertain significance for HYPERHOMOCYSTEINEMIA, THROMBOTIC, CBS-RELATED. Last evaluated: 2021-09-01. Review status: criteria provided, single submitter. Criteria: Invitae Variant Classification Sherloc (09022015). Collection method: clinical testing. Allele origin: germline.
Comment: This sequence change replaces tyrosine with phenylalanine at codon 484 of the CBS protein (p.Tyr484Phe). The tyrosine residue is moderately conserved and there is a small physicochemical difference between tyrosine and phenylalanine. This variant is not present in population databases (ExAC no frequency). This variant has not been reported in the literature in individuals affected with CBS-related conditions. Algorithms developed to predict the effect of missense changes on protein structure and function (SIFT, PolyPhen-2, Align-GVGD) all suggest that this variant is likely to be tolerated. In summary, the available evidence is currently insufficient to determine the role of this variant in disease. Therefore, it has been classified as a Variant of Uncertain Significance.

Natera, Inc.
Classification: Uncertain significance for Homocystinuria due to cystathionine beta-synthase deficiency. Last evaluated: 2025-03-25. Review status: no assertion criteria provided. Collection method: clinical testing. Allele origin: germline. Not counted in ClinVar's aggregate classification.

NM_000071.3(CBS):c.1451A>T (p.Tyr484Phe)

Gene: CBS (cystathionine beta-synthase; minus strand). Cytogenetic location: 21q22.3.
Variant type: single nucleotide variant.
Coding change: c.1451A>T on transcript NM_000071.3 (MANE Select); coding-DNA position 1451, A replaced by T.
Protein change: p.Tyr484Phe; replaces tyrosine 484 with phenylalanine.
Molecular consequence: missense variant.
Genome position (GRCh38, 1-based): chr21:43,058,161, T>A on the plus strand (A>T on the coding strand, the complement: CBS is on the minus strand). VCF-style: chr21-43058161-T-A. GRCh37 (hg19) VCF-style: chr21-44478271-T-A.
Other names: c.1451A>T, p.Tyr484Phe (NM_001178008.3, NM_001178009.3, NM_001320298.2); c.1136A>T, p.Tyr379Phe (NM_001321072.1); short protein forms Y484F, Y379F.
Identifiers: ClinVar variation 471359 (VCV000471359.9), dbSNP rs1555871913, ClinGen allele CA410396618.
Genomic context (GRCh38, chr21:43,058,161, plus strand): 5'-GGTGACTGCGCATCTGTTTGAGCTGCCTGTAGGTGACTGGGTACCTGTTTGAACTGCTTG[T>A]AGATGACTTTGCCAACTTGGTCTGACGGCTGCACCTTCCCGGCAAGCAGGGACGAGAGCA-3'
Protein context (NP_000062.1, residues 474-494): QPSDQVGKVI[Tyr484Phe]KQFKQIRLTD